The following is an entry in ClinVar:

ClinVar aggregate classification (germline): Likely benign. Review status: criteria provided, multiple submitters, no conflicts (2 of 4 stars). 3 submissions from 3 submitters: Likely benign (3). Last evaluated 2022-09-01.

Allele frequency attached by ClinVar (database versions not stated): ExAC 0.00099; 1000 Genomes Project 30x 0.00406.

Submissions (3):

CeGaT Center for Human Genetics Tuebingen
Classification: Likely benign. Last evaluated: 2022-09-01. Review status: criteria provided, single submitter. Criteria: CeGaT Center For Human Genetics Tuebingen Variant Classification Criteria Version 2. Collection method: clinical testing. Allele origin: germline. Affected: yes. Observed: 1 variant allele.
Comment: CHRNA7: BP4, BP7

GeneDx
Classification: Likely benign. Last evaluated: 2019-10-19. Review status: criteria provided, single submitter. Criteria: GeneDx Variant Classification Process June 2021. Collection method: clinical testing. Allele origin: germline. Affected: yes.

Breakthrough Genomics
Classification: Likely benign. Review status: criteria provided, single submitter. Criteria: ACMG Guidelines, 2015. Collection method: not provided. Allele origin: germline. Inheritance: Unknown mechanism. Affected: yes.

NM_000746.6(CHRNA7):c.1197G>C (p.Pro399=)

Gene: CHRNA7 (cholinergic receptor nicotinic alpha 7 subunit). Cytogenetic location: 15q13.3.
Variant type: single nucleotide variant.
Coding change: c.1197G>C on transcript NM_000746.6 (MANE Select); coding-DNA position 1197, G replaced by C.
Protein change: p.Pro399=; no amino-acid change (proline 399 retained).
Molecular consequence: synonymous variant. On other transcripts: non-coding transcript variant (1).
Genome position (GRCh38, 1-based): chr15:32,168,146, G>C. VCF-style: chr15-32168146-G-C. GRCh37 (hg19) VCF-style: chr15-32460347-G-C.
Other names: c.1284G>C, p.Pro428= (NM_001190455.3).
Identifiers: ClinVar variation 1177915 (VCV001177915.27), dbSNP rs200858080, ClinGen allele CA7454458.